The following is an entry in ClinVar:

NM_000138.5(FBN1):c.6648C>A (p.Leu2216=)

Gene: FBN1 (fibrillin 1; minus strand). Cytogenetic location: 15q21.1.
Variant type: single nucleotide variant.
Coding change: c.6648C>A on transcript NM_000138.5 (MANE Select); coding-DNA position 6648, C replaced by A.
Protein change: p.Leu2216=; no amino-acid change (leucine 2216 retained).
Molecular consequence: synonymous variant.
Genome position (GRCh38, 1-based): chr15:48,432,957, G>T on the plus strand (C>A on the coding strand, the complement: FBN1 is on the minus strand). VCF-style: chr15-48432957-G-T. GRCh37 (hg19) VCF-style: chr15-48725154-G-T.
Identifiers: ClinVar variation 1559241 (VCV001559241.9), dbSNP rs755861623, ClinGen allele CA490018613.

ClinVar aggregate classification (germline): Likely benign. Review status: criteria provided, multiple submitters, no conflicts (2 of 4 stars). 2 submissions from 2 submitters: Likely benign (2). Last evaluated 2024-01-01.

Conditions:
Marfan syndrome (MFS). Also called: Marfan syndrome, classic; MARFAN SYNDROME, TYPE I; Marfan syndrome type 1; Marfan's syndrome; FBN1-Related Marfan Syndrome. Identifiers: Orphanet 284963, Orphanet 558, MedGen C0024796, MONDO:0007947, OMIM 154700.
Familial thoracic aortic aneurysm and aortic dissection (TAAD). Also called: Thoracic aortic aneurysms and dissections. Identifiers: Orphanet 91387, MedGen C4707243, MONDO:0019625.

gnomAD v4.1: 1 of 1,613,608 alleles (0.000062%); highest among the groups gnomAD compares: Admixed American, 0.0017%; no homozygotes.

Submissions (2):

Labcorp Genetics (formerly Invitae), Labcorp
Classification: Likely benign for Marfan syndrome; Familial thoracic aortic aneurysm and aortic dissection. Last evaluated: 2024-01-01. Review status: criteria provided, single submitter. Criteria: Invitae Variant Classification Sherloc (09022015). Collection method: clinical testing. Allele origin: germline.

All of Us Research Program, National Institutes of Health
Classification: Likely benign for Marfan syndrome. Last evaluated: 2023-11-02. Review status: criteria provided, single submitter. Criteria: ACMG Guidelines, 2015. Collection method: clinical testing. Allele origin: germline. Inheritance: Autosomal dominant inheritance. Observed: 1 variant allele, 1 heterozygote.
Comment: This study involves interpretation of variants in research participants for the purpose of population health screening. Participant phenotype was not available at the time of variant classification. Additional details can be found in publication PMID: 35346344, PMCID: PMC8962531